The following is an entry in ClinVar:

NM_020964.3(EPG5):c.99G>C (p.Glu33Asp)

Gene: EPG5 (ectopic P-granules 5 autophagy tethering factor; minus strand). Cytogenetic location: 18q21.1.
Variant type: single nucleotide variant.
Coding change: c.99G>C on transcript NM_020964.3 (MANE Select); coding-DNA position 99, G replaced by C.
Protein change: p.Glu33Asp; replaces glutamic acid 33 with aspartic acid.
Molecular consequence: missense variant.
Genome position (GRCh38, 1-based): chr18:45,955,303, C>G on the plus strand (G>C on the coding strand, the complement: EPG5 is on the minus strand). VCF-style: chr18-45955303-C-G. GRCh37 (hg19) VCF-style: chr18-43535269-C-G.
Other names: c.99G>C, p.Glu33Asp (NM_001410858.1, NM_001410859.1); short protein forms E33D.
Identifiers: ClinVar variation 4886069 (VCV004886069.2).

ClinVar aggregate classification (germline): Uncertain significance (1 of 4 stars; one submission).

gnomAD v4.1: 1 of 1,607,978 alleles (0.000062%); highest among the groups gnomAD compares: East Asian, 0.0022%; no homozygotes.

Submission:

Dasa
Classification: Uncertain significance. Last evaluated: 2024-12-26. Review status: criteria provided, single submitter. Criteria: DASA Assertion Criteria. Collection method: clinical testing. Allele origin: germline.
Comment: NM_020964.3(EPG5):c.99G>C (p.Glu33Asp) is a missense variant that results in the substitution of glutamic acid with aspartic acid. This variant is rare in population databases. Computational prediction algorithms are consistent with a benign effect. The currently available literature and clinical evidence are not sufficient to establish a definitive association between this variant and the reported condition. Therefore, this variant is classified as a variant of uncertain significance.